The following is an entry in ClinVar:

ClinVar aggregate classification (germline): Likely pathogenic (1 of 4 stars; one submission).

Conditions:
Cardiovascular phenotype. Identifiers: MedGen CN230736.
Hereditary cancer-predisposing syndrome. Also called: Neoplastic Syndromes, Hereditary; Tumor predisposition; Hereditary Cancer Syndrome; Hereditary neoplastic syndrome. Identifiers: Orphanet 140162, MedGen C0027672, MeSH D009386, MONDO:0015356.

Submission:

Ambry Genetics
Classification: Likely pathogenic for Cardiovascular phenotype; Hereditary cancer-predisposing syndrome. Last evaluated: 2026-04-29. Review status: criteria provided, single submitter. Criteria: Ambry Variant Classification Scheme 2023. Collection method: clinical testing. Allele origin: germline.
Comment: The c.2426_2427insAlu likely pathogenic variant results from the insertion of an Alu element between nucleotides 2426 and 2427 in coding exon 21 of the NF1 gene. This variant was reported in individual(s) with features consistent with neurofibromatosis type 1 (Ambry internal data). Mobile element insertions contribute to pathogenicity by either disrupting the coding sequence or inducing aberrant splicing (Belancio VP et al. Semin. Cancer Biol. 2010 Aug;20:200-10; Deininger P et al. Genome Biol. 2011 Dec;12:236; van der Klift HM Hum Mutat. 2012 Jul;33(7):1051-5). RNA studies have demonstrated that this variant results in abnormal splicing in the set of samples tested (Ambry internal data). Based on the majority of available evidence to date, this variant is likely to be pathogenic.

NM_000267.3:c.2426_2427insALU

Gene: NF1 (neurofibromin 1; plus strand).
Variant type: Insertion.
Identifiers: ClinVar variation 4860900 (VCV004860900.1).